The following is an entry in ClinVar:

NM_001754.5(RUNX1):c.750T>A (p.Arg250=)

Gene: RUNX1 (RUNX family transcription factor 1; minus strand). Cytogenetic location: 21q22.12.
Variant type: single nucleotide variant.
Coding change: c.750T>A on transcript NM_001754.5 (MANE Select); coding-DNA position 750, T replaced by A.
Protein change: p.Arg250=; no amino-acid change (arginine 250 retained).
Molecular consequence: synonymous variant.
Genome position (GRCh38, 1-based): chr21:34,834,465, A>T on the plus strand (T>A on the coding strand, the complement: RUNX1 is on the minus strand). VCF-style: chr21-34834465-A-T. GRCh37 (hg19) VCF-style: chr21-36206762-A-T.
Other names: NM_001754.5(RUNX1):c.750T>A; p.Arg250=; c.669T>A, p.Arg223= (NM_001001890.3, NM_001122607.2).
Identifiers: ClinVar variation 1530364 (VCV001530364.9), dbSNP rs2146075198, ClinGen allele CA512318588.

ClinVar aggregate classification (germline): Likely benign. Review status: reviewed by expert panel (3 of 4 stars). 2 submissions from 2 submitters: Likely benign (1). 1 of the submissions does not count toward it. Last evaluated 2024-06-24.

Conditions:
Hereditary thrombocytopenia and hematologic cancer predisposition syndrome. Identifiers: Orphanet 71290, MedGen CN281654, MONDO:0011071.
Hereditary thrombocytopenia and hematological cancer predisposition syndrome associated with RUNX1. Also called: RUNX1 Familial Platelet Disorder with Associated Myeloid Malignancies; Familial Platelet Disorder with Propensity to Acute Myelogenous Leukemia; Familial thrombocytopenia with propensity to acute myelogenous leukemia; PLATELET DISORDER, ASPIRIN-LIKE. Identifiers: Orphanet 71290, MedGen C1832388, MeSH C563324, MONDO:0100083, OMIM 601399.

Submissions (2):

ClinGen Myeloid Malignancy Variant Curation Expert Panel
Classification: Likely benign for Hereditary thrombocytopenia and hematologic cancer predisposition syndrome. Last evaluated: 2024-06-24. Review status: reviewed by expert panel. Criteria: ClinGen MyeloMalig ACMG Specifications v2. Collection method: curation. Allele origin: germline. Inheritance: Autosomal dominant inheritance.
Comment: NM_001754.5(RUNX1):c.750T>A (p.Arg250=) is a synonymous variant. This variant is completely absent from all population databases with at least 20x coverage for RUNX1 in gnomAD v2.1.1 and v3.1.2 (PM2_supporting). No splicing impact or creation of cryptic splice sites is predicted by SSF and MES, and SpliceAI predicts no impact to splicing (score: 0.00) (BP4). Evolutionary conservation prediction algorithms predict the site as not being conserved (PhyloP score -0.842 < 2.0 or the variant is the reference nucleotide in one primate and/or three mammal species) (BP7). This variant was reported in ClinVar in 2022 by Invitae, but the affected status of the proband is unknown (Variation ID 1530364). In summary, this variant meets criteria to be classified as likely benign. ACMG/AMP criteria applied, as specified by the Myeloid Malignancy Variant Curation Expert Panel for RUNX1: PM2_supporting, BP4, BP7.

Labcorp Genetics (formerly Invitae), Labcorp
Classification: Likely benign for Hereditary thrombocytopenia and hematological cancer predisposition syndrome associated with RUNX1. Last evaluated: 2022-03-07. Review status: criteria provided, single submitter. Criteria: Invitae Variant Classification Sherloc (09022015). Collection method: clinical testing. Allele origin: germline. Not counted in ClinVar's aggregate classification.